The following is an entry in ClinVar:

NM_001365951.3(KIF1B):c.185C>G (p.Pro62Arg)

Gene: KIF1B (kinesin family member 1B; plus strand). Cytogenetic location: 1p36.22.
Variant type: single nucleotide variant.
Coding change: c.185C>G on transcript NM_001365951.3 (MANE Select); coding-DNA position 185, C replaced by G.
Protein change: p.Pro62Arg; replaces proline 62 with arginine.
Molecular consequence: missense variant.
Genome position (GRCh38, 1-based): chr1:10,258,494, C>G. VCF-style: chr1-10258494-C-G. GRCh37 (hg19) VCF-style: chr1-10318552-C-G.
Other names: c.185C>G, p.Pro62Arg (NM_001365952.1, NM_001365953.1, NM_015074.3 and 1 more transcripts); short protein forms P62R.
Identifiers: ClinVar variation 1487095 (VCV001487095.7), dbSNP rs1262165101, ClinGen allele CA338324530.

ClinVar aggregate classification (germline): Uncertain significance. Review status: criteria provided, multiple submitters, no conflicts (2 of 4 stars). 2 submissions from 2 submitters: Uncertain significance (2). Last evaluated 2026-05-26.

Conditions:
Charcot-Marie-Tooth disease type 2. Also called: Charcot-Marie-Tooth type 2. Identifiers: Orphanet 64746, MedGen C0270914, MONDO:0018993.

Submissions (2):

Ambry Genetics
Classification: Uncertain significance. Last evaluated: 2026-05-26. Review status: criteria provided, single submitter. Criteria: Ambry Variant Classification Scheme 2023. Collection method: clinical testing. Allele origin: germline.
Comment: The p.P62R variant (also known as c.185C>G), located in coding exon 3 of the KIF1B gene, results from a C to G substitution at nucleotide position 185. The proline at codon 62 is replaced by arginine, an amino acid with dissimilar properties. This amino acid position is highly conserved in available vertebrate species. In addition, the in silico prediction for this alteration is inconclusive. The evidence for this gene-disease relationship is limited; therefore, the clinical significance of this variant is unclear.

Labcorp Genetics (formerly Invitae), Labcorp
Classification: Uncertain significance for Charcot-Marie-Tooth disease type 2. Last evaluated: 2021-09-29. Review status: criteria provided, single submitter. Criteria: Invitae Variant Classification Sherloc (09022015). Collection method: clinical testing. Allele origin: germline.
Comment: Algorithms developed to predict the effect of missense changes on protein structure and function (SIFT, PolyPhen-2, Align-GVGD) all suggest that this variant is likely to be tolerated. In summary, the available evidence is currently insufficient to determine the role of this variant in disease. Therefore, it has been classified as a Variant of Uncertain Significance. This variant has not been reported in the literature in individuals affected with KIF1B-related conditions. This variant is not present in population databases (ExAC no frequency). This sequence change replaces proline with arginine at codon 62 of the KIF1B protein (p.Pro62Arg). The proline residue is moderately conserved and there is a moderate physicochemical difference between proline and arginine.